The following is an entry in ClinVar:

ClinVar aggregate classification (germline): Uncertain significance (1 of 4 stars; one submission).

Conditions:
Camptomelic dysplasia (CMPD). Also called: Campomelic Dysplasia; CMPD1/SRA1. Identifiers: Orphanet 140, MedGen C1861922, MONDO:0007251, OMIM 114290.

Submission:

Labcorp Genetics (formerly Invitae), Labcorp
Classification: Uncertain significance for Camptomelic dysplasia. Last evaluated: 2022-02-07. Review status: criteria provided, single submitter. Criteria: Invitae Variant Classification Sherloc (09022015). Collection method: clinical testing. Allele origin: germline.
Comment: In summary, the available evidence is currently insufficient to determine the role of this variant in disease. Therefore, it has been classified as a Variant of Uncertain Significance. Advanced modeling of protein sequence and biophysical properties (such as structural, functional, and spatial information, amino acid conservation, physicochemical variation, residue mobility, and thermodynamic stability) performed at Invitae indicates that this missense variant is expected to disrupt SOX9 protein function. This variant has not been reported in the literature in individuals affected with SOX9-related conditions. This variant is not present in population databases (gnomAD no frequency). This sequence change replaces aspartic acid, which is acidic and polar, with histidine, which is basic and polar, at codon 290 of the SOX9 protein (p.Asp290His).

NM_000346.4(SOX9):c.868G>C (p.Asp290His)

Gene: SOX9 (SRY-box transcription factor 9; plus strand). Cytogenetic location: 17q24.3.
Variant type: single nucleotide variant.
Coding change: c.868G>C on transcript NM_000346.4 (MANE Select); coding-DNA position 868, G replaced by C.
Protein change: p.Asp290His; replaces aspartic acid 290 with histidine.
Molecular consequence: missense variant.
Genome position (GRCh38, 1-based): chr17:72,123,725, G>C. VCF-style: chr17-72123725-G-C. GRCh37 (hg19) VCF-style: chr17-70119866-G-C.
Other names: short protein forms D290H.
Identifiers: ClinVar variation 2092259 (VCV002092259.4), dbSNP rs2509626087, ClinGen allele CA400867219.